The following is an entry in ClinVar:

ClinVar aggregate classification (germline): Uncertain significance. Review status: criteria provided, multiple submitters, no conflicts (2 of 4 stars). 2 submissions from 2 submitters: Uncertain significance (2). Last evaluated 2024-07-14.

Conditions:
Inborn genetic diseases. Identifiers: MedGen C0950123, MeSH D030342.

Allele frequency attached by ClinVar (database versions not stated): ExAC 0.00001; gnomAD 0.00001; gnomAD exomes 0.00002; 1000 Genomes Project 30x 0.00016; 1000 Genomes Project 0.00020.
gnomAD v4.1: 23 of 1,611,996 alleles (0.0014%); highest among the groups gnomAD compares: African/African-American, 0.0067%; no homozygotes.

Submissions (2):

Ambry Genetics
Classification: Uncertain significance for Inborn genetic diseases. Last evaluated: 2024-07-14. Review status: criteria provided, single submitter. Criteria: Ambry Variant Classification Scheme 2023. Collection method: clinical testing. Allele origin: germline.

Labcorp Genetics (formerly Invitae), Labcorp
Classification: Uncertain significance. Last evaluated: 2022-03-04. Review status: criteria provided, single submitter. Criteria: Invitae Variant Classification Sherloc (09022015). Collection method: clinical testing. Allele origin: germline.
Comment: This sequence change replaces arginine, which is basic and polar, with glutamine, which is neutral and polar, at codon 546 of the GFM2 protein (p.Arg546Gln). This variant is present in population databases (rs201174367, gnomAD 0.007%). This variant has not been reported in the literature in individuals affected with GFM2-related conditions. Algorithms developed to predict the effect of missense changes on protein structure and function are either unavailable or do not agree on the potential impact of this missense change (SIFT: "Deleterious"; PolyPhen-2: "Possibly Damaging"; Align-GVGD: "Class C0"). In summary, the available evidence is currently insufficient to determine the role of this variant in disease. Therefore, it has been classified as a Variant of Uncertain Significance.

NM_032380.5(GFM2):c.1637G>A (p.Arg546Gln)

Gene: GFM2 (GTP dependent ribosome recycling factor mitochondrial 2; minus strand). Cytogenetic location: 5q13.3.
Variant type: single nucleotide variant.
Coding change: c.1637G>A on transcript NM_032380.5 (MANE Select); coding-DNA position 1637, G replaced by A.
Protein change: p.Arg546Gln; replaces arginine 546 with glutamine.
Molecular consequence: missense variant.
Genome position (GRCh38, 1-based): chr5:74,730,349, C>T on the plus strand (G>A on the coding strand, the complement: GFM2 is on the minus strand). VCF-style: chr5-74730349-C-T. GRCh37 (hg19) VCF-style: chr5-74026174-C-T.
Other names: c.1733G>A, p.Arg578Gln (NM_001281302.2); c.1496G>A, p.Arg499Gln (NM_170691.3); c.1637G>A (NM_032380.3); short protein forms R499Q, R546Q, R578Q.
Identifiers: ClinVar variation 1932485 (VCV001932485.6), dbSNP rs201174367, ClinGen allele CA3306463.